The following is an entry in ClinVar:

NM_001367721.1(CASK):c.1792A>G (p.Asn598Asp)

Gene: CASK (calcium/calmodulin dependent serine protein kinase; minus strand). Cytogenetic location: Xp11.4.
Variant type: single nucleotide variant.
Coding change: c.1792A>G on transcript NM_001367721.1 (MANE Select); coding-DNA position 1792, A replaced by G.
Protein change: p.Asn598Asp; replaces asparagine 598 with aspartic acid.
Molecular consequence: missense variant. On other transcripts: intron variant (2).
Genome position (GRCh38, 1-based): chrX:41,557,046, T>C on the plus strand (A>G on the coding strand, the complement: CASK is on the minus strand). VCF-style: chrX-41557046-T-C. GRCh37 (hg19) VCF-style: chrX-41416299-T-C.
Other names: c.1774A>G, p.Asn592Asp (NM_001410745.1); c.1792A>G, p.Asn598Asp (NM_003688.4); c.1720-1411A>G (NM_001126055.3); c.1738-1411A>G (NM_001126054.3); short protein forms N592D, N598D.
Identifiers: ClinVar variation 4083288 (VCV004083288.1).

ClinVar aggregate classification (germline): Uncertain significance (1 of 4 stars; one submission).

Submission:

GeneDx
Classification: Uncertain significance. Last evaluated: 2025-03-12. Review status: criteria provided, single submitter. Criteria: GeneDx Variant Classification Process June 2021. Collection method: clinical testing. Allele origin: germline. Affected: yes.
Comment: Not observed at significant frequency in large population cohorts (gnomAD); In silico analysis indicates that this missense variant does not alter protein structure/function; Has not been previously published as pathogenic or benign to our knowledge